The following is an entry in ClinVar:

ClinVar aggregate classification (germline): Uncertain significance. Review status: criteria provided, multiple submitters, no conflicts (2 of 4 stars). 2 submissions from 2 submitters: Uncertain significance (2). Last evaluated 2026-04-16.

Conditions:
Combined oxidative phosphorylation defect type 17. Also called: Combined oxidative phosphorylation deficiency 17. Identifiers: Orphanet 369913, MedGen C3809526, MONDO:0014190, OMIM 615440.

Allele frequency attached by ClinVar (database versions not stated): gnomAD exomes below 0.00001.

Submissions (2):

GeneDx
Classification: Uncertain significance. Last evaluated: 2026-04-16. Review status: criteria provided, single submitter. Criteria: GeneDx Variant Classification Process June 2021. Collection method: clinical testing. Allele origin: germline.
Comment: Not observed at significant frequency in large population cohorts (gnomAD); In silico analysis supports that this missense variant has a deleterious effect on protein structure/function; Has not been previously published as pathogenic or benign to our knowledge

Labcorp Genetics (formerly Invitae), Labcorp
Classification: Uncertain significance for Combined oxidative phosphorylation defect type 17. Last evaluated: 2021-09-03. Review status: criteria provided, single submitter. Criteria: Invitae Variant Classification Sherloc (09022015). Collection method: clinical testing. Allele origin: germline.
Comment: In summary, the available evidence is currently insufficient to determine the role of this variant in disease. Therefore, it has been classified as a Variant of Uncertain Significance. Algorithms developed to predict the effect of missense changes on protein structure and function are either unavailable or do not agree on the potential impact of this missense change (SIFT: "Tolerated"; PolyPhen-2: "Probably Damaging"; Align-GVGD: "Class C0"). This variant has not been reported in the literature in individuals affected with ELAC2-related conditions. This variant is not present in population databases (ExAC no frequency). This sequence change replaces methionine with valine at codon 178 of the ELAC2 protein (p.Met178Val). The methionine residue is moderately conserved and there is a small physicochemical difference between methionine and valine.

NM_018127.7(ELAC2):c.532A>G (p.Met178Val)

Gene: ELAC2 (elaC ribonuclease Z 2; minus strand). Cytogenetic location: 17p12.
Variant type: single nucleotide variant.
Coding change: c.532A>G on transcript NM_018127.7 (MANE Select); coding-DNA position 532, A replaced by G.
Protein change: p.Met178Val; replaces methionine 178 with valine.
Molecular consequence: missense variant.
Genome position (GRCh38, 1-based): chr17:13,013,234, T>C on the plus strand (A>G on the coding strand, the complement: ELAC2 is on the minus strand). VCF-style: chr17-13013234-T-C. GRCh37 (hg19) VCF-style: chr17-12916551-T-C.
Other names: c.532A>G, p.Met178Val (NM_001165962.2, NM_173717.2); c.532A>G (NM_018127.6); short protein forms M178V.
Identifiers: ClinVar variation 1369439 (VCV001369439.5), dbSNP rs1052094774, ClinGen allele CA288064089.